The following is an entry in ClinVar:

NM_018063.5(HELLS):c.1A>T (p.Met1Leu)

Gene: HELLS (helicase, lymphoid specific; plus strand). Cytogenetic location: 10q23.33.
Variant type: single nucleotide variant.
Coding change: c.1A>T on transcript NM_018063.5 (MANE Select); coding-DNA position 1, A replaced by T.
Protein change: p.Met1Leu; changes the start codon (methionine 1).
Molecular consequence: missense variant, initiator codon variant. On other transcripts: 5 prime UTR variant (4), intron variant (1).
Genome position (GRCh38, 1-based): chr10:94,545,922, A>T. VCF-style: chr10-94545922-A-T. GRCh37 (hg19) VCF-style: chr10-96305679-A-T.
Other names: c.1A>T, p.Met1Leu (NM_001289067.2, NM_001289069.2, NM_001289070.2 and 1 more transcripts); c.-416A>T (NM_001289071.2); c.-349A>T (NM_001289073.2); c.-1002A>T (NM_001289074.2); c.-1021A>T (NM_001289075.2); c.-18+15A>T (NM_001289068.2); short protein forms M1L.
Identifiers: ClinVar variation 1949675 (VCV001949675.3), dbSNP rs1172533117, ClinGen allele CA377660733.

ClinVar aggregate classification (germline): Uncertain significance (1 of 4 stars; one submission).

Submission:

Labcorp Genetics (formerly Invitae), Labcorp
Classification: Uncertain significance. Last evaluated: 2022-03-12. Review status: criteria provided, single submitter. Criteria: Invitae Variant Classification Sherloc (09022015). Collection method: clinical testing. Allele origin: germline.
Comment: This sequence change affects the initiator methionine of the HELLS mRNA. The next in-frame methionine is located at codon 17. This variant is present in population databases (no rsID available, gnomAD 0.002%). This variant has not been reported in the literature in individuals affected with HELLS-related conditions. Experimental studies and prediction algorithms are not available or were not evaluated, and the functional significance of this variant is currently unknown. In summary, the available evidence is currently insufficient to determine the role of this variant in disease. Therefore, it has been classified as a Variant of Uncertain Significance.